The following is an entry in ClinVar:

NM_001393769.1(MED12L):c.531A>G (p.Lys177=)

Gene: MED12L (mediator complex subunit 12L; plus strand). Cytogenetic location: 3q25.1.
Variant type: single nucleotide variant.
Coding change: c.531A>G on transcript NM_001393769.1 (MANE Select); coding-DNA position 531, A replaced by G.
Protein change: p.Lys177=; no amino-acid change (lysine 177 retained).
Molecular consequence: synonymous variant.
Genome position (GRCh38, 1-based): chr3:151,127,959, A>G. VCF-style: chr3-151127959-A-G. GRCh37 (hg19) VCF-style: chr3-150845746-A-G.
Other names: c.531A>G, p.Lys177= (NM_053002.6).
Identifiers: ClinVar variation 3770674 (VCV003770674.13).
Genomic context (GRCh38, chr3:151,127,959, plus strand): 5'-GTGGCTGATCAAGATGACTTGTGCCTATTATTCTGCTATATCTGAAGCTAAAATTAAGAA[A>G]CGTCAGGCTCCTGATCCGAATTTGGGTAAGTGAGAGAATACAATACACCTTACATTTCAT-3'
Protein context (NP_001380698.1, residues 167-187): YSAISEAKIK[Lys177=]RQAPDPNLEW

ClinVar aggregate classification (germline): Likely benign (1 of 4 stars; one submission).

gnomAD v4.1: 404 of 1,613,024 alleles (0.025%); highest among the groups gnomAD compares: Non-Finnish European, 0.033%; no homozygotes.

Submission:

CeGaT Center for Human Genetics Tuebingen
Classification: Likely benign. Last evaluated: 2025-02-01. Review status: criteria provided, single submitter. Criteria: CeGaT Center For Human Genetics Tuebingen Variant Classification Criteria Version 2. Collection method: clinical testing. Allele origin: germline. Affected: yes. Observed: 1 variant allele.
Comment: MED12L: BP4, BP7